The following is an entry in ClinVar:

NM_017841.4(SDHAF2):c.218A>C (p.Glu73Ala)

Gene: SDHAF2 (succinate dehydrogenase complex assembly factor 2; plus strand). Cytogenetic location: 11q12.2.
Variant type: single nucleotide variant.
Coding change: c.218A>C on transcript NM_017841.4 (MANE Select); coding-DNA position 218, A replaced by C.
Protein change: p.Glu73Ala; replaces glutamic acid 73 with alanine.
Molecular consequence: missense variant.
Genome position (GRCh38, 1-based): chr11:61,437,806, A>C. VCF-style: chr11-61437806-A-C. GRCh37 (hg19) VCF-style: chr11-61205278-A-C.
Other names: short protein forms E73A.
Identifiers: ClinVar variation 532520 (VCV000532520.8), dbSNP rs1554984643, ClinGen allele CA380683707.

ClinVar aggregate classification (germline): Uncertain significance (1 of 4 stars; one submission).

Conditions:
Hereditary pheochromocytoma and paraganglioma. Also called: Hereditary Paraganglioma-Pheochromocytoma Syndromes; Hereditary paragangliomas and pheochromocytomas; Hereditary pheochromocytoma-paraganglioma. Identifiers: Orphanet 29072, MedGen C4274332, MONDO:0017366.

Allele frequency attached by ClinVar (database versions not stated): gnomAD exomes 0.00001.

Submission:

Labcorp Genetics (formerly Invitae), Labcorp
Classification: Uncertain significance for Hereditary pheochromocytoma and paraganglioma. Last evaluated: 2021-12-11. Review status: criteria provided, single submitter. Criteria: Invitae Variant Classification Sherloc (09022015). Collection method: clinical testing. Allele origin: germline.
Comment: In summary, the available evidence is currently insufficient to determine the role of this variant in disease. Therefore, it has been classified as a Variant of Uncertain Significance. This sequence change replaces glutamic acid, which is acidic and polar, with alanine, which is neutral and non-polar, at codon 73 of the SDHAF2 protein (p.Glu73Ala). This variant is not present in population databases (gnomAD no frequency). This variant has not been reported in the literature in individuals affected with SDHAF2-related conditions. ClinVar contains an entry for this variant (Variation ID: 532520). Algorithms developed to predict the effect of missense changes on protein structure and function (SIFT, PolyPhen-2, Align-GVGD) all suggest that this variant is likely to be disruptive.